The following is an entry in ClinVar:

NM_032482.3(DOT1L):c.4606+780CCTCCG[4]

Gene: DOT1L (DOT1 like histone lysine methyltransferase; plus strand). Cytogenetic location: 19p13.3.
Variant type: Microsatellite.
Coding change: c.4606+780CCTCCG[4] on transcript NM_032482.3 (MANE Select); four copies in a row of the 6-base unit CCTCCG starting at c.4606+780.
Molecular consequence: intron variant. On other transcripts: inframe insertion (1).
Genome position: GRCh38 VCF-style: chr19-2227906-C-CCCTCCG. GRCh37 (hg19) VCF-style: chr19-2227905-C-CCCTCCG.
Other names: c.4782GCCTCC[4], p.Pro1601_Leu1602insProPro (NM_001411141.1).
Identifiers: ClinVar variation 3898240 (VCV003898240.7).

ClinVar aggregate classification (germline): Likely benign (1 of 4 stars; one submission).

Submission:

CeGaT Center for Human Genetics Tuebingen
Classification: Likely benign. Last evaluated: 2025-04-01. Review status: criteria provided, single submitter. Criteria: CeGaT Center For Human Genetics Tuebingen Variant Classification Criteria Version 2. Collection method: clinical testing. Allele origin: germline. Affected: yes. Observed: 1 variant allele.
Comment: DOT1L: BS1